The following is an entry in ClinVar:

ClinVar aggregate classification (germline): Uncertain significance (1 of 4 stars; one submission).

Submission:

Labcorp Genetics (formerly Invitae), Labcorp
Classification: Uncertain significance. Last evaluated: 2022-08-22. Review status: criteria provided, single submitter. Criteria: Invitae Variant Classification Sherloc (09022015). Collection method: clinical testing. Allele origin: germline.
Comment: This variant has not been reported in the literature in individuals affected with FH-related conditions. In summary, the available evidence is currently insufficient to determine the role of this variant in disease. Therefore, it has been classified as a Variant of Uncertain Significance. Advanced modeling of protein sequence and biophysical properties (such as structural, functional, and spatial information, amino acid conservation, physicochemical variation, residue mobility, and thermodynamic stability) performed at Invitae indicates that this missense variant is expected to disrupt FH protein function. This variant is not present in population databases (gnomAD no frequency). This sequence change replaces isoleucine, which is neutral and non-polar, with serine, which is neutral and polar, at codon 487 of the FH protein (p.Ile487Ser).

NM_000143.4(FH):c.1460T>G (p.Ile487Ser)

Gene: FH (fumarate hydratase; minus strand). Cytogenetic location: 1q43.
Variant type: single nucleotide variant.
Coding change: c.1460T>G on transcript NM_000143.4 (MANE Select); coding-DNA position 1460, T replaced by G.
Protein change: p.Ile487Ser; replaces isoleucine 487 with serine.
Molecular consequence: missense variant.
Genome position (GRCh38, 1-based): chr1:241,497,901, A>C on the plus strand (T>G on the coding strand, the complement: FH is on the minus strand). VCF-style: chr1-241497901-A-C. GRCh37 (hg19) VCF-style: chr1-241661201-A-C.
Other names: short protein forms I487S.
Identifiers: ClinVar variation 2026419 (VCV002026419.4), dbSNP rs2527308449, ClinGen allele CA345450563.